The following is an entry in ClinVar:

NM_001174089.2(SLC4A11):c.853C>T (p.Gln285Ter)

Gene: SLC4A11 (solute carrier family 4 member 11; minus strand). Cytogenetic location: 20p13.
Variant type: single nucleotide variant.
Coding change: c.853C>T on transcript NM_001174089.2 (MANE Select); coding-DNA position 853, C replaced by T.
Protein change: p.Gln285Ter; replaces glutamine 285 with a stop codon.
Molecular consequence: nonsense. On other transcripts: non-coding transcript variant (3).
Genome position (GRCh38, 1-based): chr20:3,231,425, G>A on the plus strand (C>T on the coding strand, the complement: SLC4A11 is on the minus strand). VCF-style: chr20-3231425-G-A. GRCh37 (hg19) VCF-style: chr20-3212071-G-A.
Other names: c.901C>T (NM_032034.3); c.982C>T, p.Gln328Ter (NM_001174090.2, NM_001400280.1); c.853C>T, p.Gln285Ter (NM_001363745.2); c.796C>T, p.Gln266Ter (NM_001400277.1, NM_001400278.1, NM_001400279.1); c.901C>T, p.Gln301Ter (NM_032034.4); short protein forms Q266*, Q301*, Q285*, Q328*.
Identifiers: ClinVar variation 4769822 (VCV004769822.2).

ClinVar aggregate classification (germline): Pathogenic/Likely pathogenic. Review status: criteria provided, multiple submitters, no conflicts (2 of 4 stars). 2 submissions from 2 submitters: Pathogenic (1); Likely pathogenic (1). Last evaluated 2025-12-29.

Conditions:
Corneal dystrophy-perceptive deafness syndrome (CDPD). Also called: CORNEAL DYSTROPHY AND SENSORINEURAL DEAFNESS; HARBOYAN SYNDROME. Identifiers: Orphanet 1490, MedGen C1857572, MONDO:0009015, OMIM 217400.

gnomAD v4.1: 1 of 1,613,978 alleles (0.000062%); highest among the groups gnomAD compares: African/African-American, 0.0013%; no homozygotes.

Submissions (2):

Labcorp Genetics (formerly Invitae), Labcorp
Classification: Pathogenic. Last evaluated: 2025-12-29. Review status: criteria provided, single submitter. Criteria: Invitae Variant Classification Sherloc (09022015). Collection method: clinical testing. Allele origin: germline.
Comment: This sequence change creates a premature translational stop signal (p.Gln301*) in the SLC4A11 gene. It is expected to result in an absent or disrupted protein product. Loss-of-function variants in SLC4A11 are known to be pathogenic (PMID: 17220209, 17679935). This variant is not present in population databases (gnomAD no frequency). This variant has not been reported in the literature in individuals affected with SLC4A11-related conditions. For these reasons, this variant has been classified as Pathogenic.

Natera, Inc.
Classification: Likely pathogenic for Corneal dystrophy-perceptive deafness syndrome. Last evaluated: 2025-06-30. Review status: criteria provided, single submitter. Criteria: Natera Variant Classification Schema (03/2026). Collection method: clinical testing. Allele origin: germline.
Comment: The c.901C>T variant in SLC4A11 is a nonsense variant predicted to introduce a stop codon at amino acid 301. This variant is expected to result in nonsense mediated decay, truncation, or a dysfunctional protein product. This variant is rare in the general population with a frequency below the threshold expected for the associated phenotype(s). Given the available evidence, this variant is classified as Likely Pathogenic.

Literature cited by the submitters: PubMed 17220209 (cited by Labcorp Genetics (formerly Invitae), Labcorp); PubMed 17679935 (cited by Labcorp Genetics (formerly Invitae), Labcorp).